The following is an entry in ClinVar:

ClinVar aggregate classification (germline): Uncertain significance (1 of 4 stars; one submission).

Allele frequency attached by ClinVar (database versions not stated): ExAC 0.00001; gnomAD exomes 0.00001 and 0.00003; gnomAD 0.00004; TOPMed 0.00005; ESP Exome Variant Server 0.00008.
gnomAD v4.1: 20 of 1,613,366 alleles (0.0012%); highest among the groups gnomAD compares: African/African-American, 0.0094%; no homozygotes.

Submission:

Labcorp Genetics (formerly Invitae), Labcorp
Classification: Uncertain significance. Last evaluated: 2022-05-04. Review status: criteria provided, single submitter. Criteria: Invitae Variant Classification Sherloc (09022015). Collection method: clinical testing. Allele origin: germline.
Comment: This sequence change replaces arginine, which is basic and polar, with glutamine, which is neutral and polar, at codon 1415 of the SZT2 protein (p.Arg1415Gln). This variant is present in population databases (rs374593213, gnomAD 0.02%). This variant has not been reported in the literature in individuals affected with SZT2-related conditions. Algorithms developed to predict the effect of missense changes on protein structure and function output the following: SIFT: "Tolerated"; PolyPhen-2: "Possibly Damaging"; Align-GVGD: "Class C0". The glutamine amino acid residue is found in multiple mammalian species, which suggests that this missense change does not adversely affect protein function. In summary, the available evidence is currently insufficient to determine the role of this variant in disease. Therefore, it has been classified as a Variant of Uncertain Significance.

NM_001365999.1(SZT2):c.4415G>A (p.Arg1472Gln)

Gene: SZT2 (SZT2 subunit of KICSTOR complex; plus strand). Cytogenetic location: 1p34.2.
Variant type: single nucleotide variant.
Coding change: c.4415G>A on transcript NM_001365999.1 (MANE Select); coding-DNA position 4415, G replaced by A.
Protein change: p.Arg1472Gln; replaces arginine 1472 with glutamine.
Molecular consequence: missense variant.
Genome position (GRCh38, 1-based): chr1:43,430,324, G>A. VCF-style: chr1-43430324-G-A. GRCh37 (hg19) VCF-style: chr1-43895995-G-A.
Other names: c.4244G>A, p.Arg1415Gln (NM_015284.4); short protein forms R1415Q, R1472Q.
Identifiers: ClinVar variation 1492931 (VCV001492931.3), dbSNP rs374593213, ClinGen allele CA809290.